The following is an entry in ClinVar:

NM_001145715.3(KPNA7):c.74G>A (p.Arg25Gln)

Gene: KPNA7 (karyopherin subunit alpha 7; minus strand). Cytogenetic location: 7q22.1.
Variant type: single nucleotide variant.
Coding change: c.74G>A on transcript NM_001145715.3 (MANE Select); coding-DNA position 74, G replaced by A.
Protein change: p.Arg25Gln; replaces arginine 25 with glutamine.
Molecular consequence: missense variant.
Genome position (GRCh38, 1-based): chr7:99,203,233, C>T on the plus strand (G>A on the coding strand, the complement: KPNA7 is on the minus strand). VCF-style: chr7-99203233-C-T. GRCh37 (hg19) VCF-style: chr7-98800856-C-T.
Other names: short protein forms R25Q.
Identifiers: ClinVar variation 951836 (VCV000951836.8), dbSNP rs765119464, ClinGen allele CA4363299.
Genomic context (GRCh38, chr7:99,203,233, plus strand): 5'-AAGGTCTGTTCATCTTTCTTGGCCTTTCGGAGCTCCAGACTGACCGCCATCCTCTGCTGT[C>T]GCCTCAGCTAGTGAGGAAAAGAAATTGGAGCATTTAGAACCAGGAGTGGGGATGTCACAT-3'
Protein context (NP_001139187.1, residues 15-35): KYRGKDVSLR[Arg25Gln]QQRMAVSLEL

ClinVar aggregate classification (germline): Uncertain significance. Review status: criteria provided, multiple submitters, no conflicts (2 of 4 stars). 2 submissions from 2 submitters: Uncertain significance (2). Last evaluated 2022-10-05.

Allele frequency attached by ClinVar (database versions not stated): gnomAD 0.00001; gnomAD exomes 0.00004 and 0.00005; ExAC 0.00005; TOPMed 0.00006.
gnomAD v4.1: 51 of 1,550,978 alleles (0.0033%); highest among the groups gnomAD compares: Admixed American, 0.0098%; no homozygotes.

Submissions (2):

Labcorp Genetics (formerly Invitae), Labcorp
Classification: Uncertain significance. Last evaluated: 2022-10-05. Review status: criteria provided, single submitter. Criteria: Invitae Variant Classification Sherloc (09022015). Collection method: clinical testing. Allele origin: germline.
Comment: This sequence change replaces arginine, which is basic and polar, with glutamine, which is neutral and polar, at codon 25 of the KPNA7 protein (p.Arg25Gln). This variant is present in population databases (rs765119464, gnomAD 0.02%). This variant has not been reported in the literature in individuals affected with KPNA7-related conditions. ClinVar contains an entry for this variant (Variation ID: 951836). Advanced modeling of protein sequence and biophysical properties (such as structural, functional, and spatial information, amino acid conservation, physicochemical variation, residue mobility, and thermodynamic stability) performed at Invitae indicates that this missense variant is expected to disrupt KPNA7 protein function. In summary, the available evidence is currently insufficient to determine the role of this variant in disease. Therefore, it has been classified as a Variant of Uncertain Significance.

Ambry Genetics
Classification: Uncertain significance. Last evaluated: 2021-10-26. Review status: criteria provided, single submitter. Criteria: Ambry Variant Classification Scheme 2023. Collection method: clinical testing. Allele origin: germline.